The following is an entry in ClinVar:

ClinVar aggregate classification (germline): Uncertain significance (1 of 4 stars; one submission).

Submission:

Labcorp Genetics (formerly Invitae), Labcorp
Classification: Uncertain significance. Last evaluated: 2023-04-16. Review status: criteria provided, single submitter. Criteria: Invitae Variant Classification Sherloc (09022015). Collection method: clinical testing. Allele origin: germline.
Comment: In summary, the available evidence is currently insufficient to determine the role of this variant in disease. Therefore, it has been classified as a Variant of Uncertain Significance. Advanced modeling of protein sequence and biophysical properties (such as structural, functional, and spatial information, amino acid conservation, physicochemical variation, residue mobility, and thermodynamic stability) performed at Invitae indicates that this missense variant is not expected to disrupt KMT2E protein function. This variant has not been reported in the literature in individuals affected with KMT2E-related conditions. This variant is not present in population databases (gnomAD no frequency). This sequence change replaces arginine, which is basic and polar, with lysine, which is basic and polar, at codon 669 of the KMT2E protein (p.Arg669Lys).

NM_182931.3(KMT2E):c.2006G>A (p.Arg669Lys)

Gene: KMT2E (lysine methyltransferase 2E (inactive); plus strand). Cytogenetic location: 7q22.3.
Variant type: single nucleotide variant.
Coding change: c.2006G>A on transcript NM_182931.3 (MANE Select); coding-DNA position 2006, G replaced by A.
Protein change: p.Arg669Lys; replaces arginine 669 with lysine.
Molecular consequence: missense variant.
Genome position (GRCh38, 1-based): chr7:105,102,004, G>A. VCF-style: chr7-105102004-G-A. GRCh37 (hg19) VCF-style: chr7-104742451-G-A.
Other names: c.2006G>A, p.Arg669Lys (NM_001410908.1, NM_018682.4); short protein forms R669K.
Identifiers: ClinVar variation 2856863 (VCV002856863.3), dbSNP rs1798675757, ClinGen allele CA368784797.